The following is an entry in ClinVar:

NM_001371279.1(REEP1):c.417+1G>C

Gene: REEP1 (receptor accessory protein 1; minus strand). Cytogenetic location: 2p11.2.
Variant type: single nucleotide variant.
Coding change: c.417+1G>C on transcript NM_001371279.1 (MANE Select); the canonical splice donor site of the intron after coding-DNA position 417, G replaced by C.
Molecular consequence: splice donor variant. On other transcripts: intron variant (1).
Genome position (GRCh38, 1-based): chr2:86,251,956, C>G on the plus strand (G>C on the coding strand, the complement: REEP1 is on the minus strand). VCF-style: chr2-86251956-C-G. GRCh37 (hg19) VCF-style: chr2-86479079-C-G.
Other names: c.438+1G>C (NM_001164730.2); c.336+1G>C (NM_001164731.2); c.182+12009G>C (NM_001164732.2); c.417+1G>C (NM_001371280.1, NM_022912.3, NM_001410855.1 and 1 more transcripts).
Identifiers: ClinVar variation 1069793 (VCV001069793.9), dbSNP rs2104223296, ClinGen allele CA347715718.

ClinVar aggregate classification (germline): Pathogenic (1 of 4 stars; one submission).

Conditions:
Hereditary spastic paraplegia 31. Also called: SPASTIC PARAPLEGIA 31, AUTOSOMAL DOMINANT. Identifiers: Orphanet 101011, MedGen C1853247, MONDO:0012453, OMIM 610250.

Submission:

Labcorp Genetics (formerly Invitae), Labcorp
Classification: Pathogenic for Hereditary spastic paraplegia 31. Last evaluated: 2020-08-07. Review status: criteria provided, single submitter. Criteria: Invitae Variant Classification Sherloc (09022015). Collection method: clinical testing. Allele origin: germline.
Comment: For these reasons, this variant has been classified as Pathogenic. Donor and acceptor splice site variants typically lead to a loss of protein function (PMID: 16199547), and loss-of-function variants in REEP1 are known to be pathogenic (PMID: 18321925, 18644145, 22703882). Algorithms developed to predict the effect of sequence changes on RNA splicing suggest that this variant may disrupt the consensus splice site, but this prediction has not been confirmed by published transcriptional studies. Disruption of this splice site has been observed in individual(s) with hereditary spastic paraplegia (PMID: 19072839, 18321925). It has also been observed to segregate with disease in related individuals. This variant is not present in population databases (ExAC no frequency). This sequence change affects a donor splice site in intron 5 of the REEP1 gene. It is expected to disrupt RNA splicing and likely results in an absent or disrupted protein product.

Literature cited by the submitters: PubMed 16199547; PubMed 18321925; PubMed 18644145; PubMed 22703882; PubMed 19072839.